The following is an entry in ClinVar:

NM_018699.4(PRDM5):c.1312G>A (p.Asp438Asn)

Gene: PRDM5 (PR/SET domain 5; minus strand). Cytogenetic location: 4q27.
Variant type: single nucleotide variant.
Coding change: c.1312G>A on transcript NM_018699.4 (MANE Select); coding-DNA position 1312, G replaced by A.
Protein change: p.Asp438Asn; replaces aspartic acid 438 with asparagine.
Molecular consequence: missense variant.
Genome position (GRCh38, 1-based): chr4:120,781,274, C>T on the plus strand (G>A on the coding strand, the complement: PRDM5 is on the minus strand). VCF-style: chr4-120781274-C-T. GRCh37 (hg19) VCF-style: chr4-121702429-C-T.
Other names: c.1219G>A, p.Asp407Asn (NM_001300823.2, NM_001300824.2, NM_001379106.1); c.1345G>A, p.Asp449Asn (NM_001379104.1); short protein forms D438N, D407N, D449N.
Identifiers: ClinVar variation 931721 (VCV000931721.3), dbSNP rs759022476, ClinGen allele CA3061073.

ClinVar aggregate classification (germline): Uncertain significance (1 of 4 stars; one submission).

Conditions:
Brittle cornea syndrome 2 (BCS2). Identifiers: Orphanet 90354, MedGen C3280011, MONDO:0013605, OMIM 614170.

gnomAD v4.1: 8 of 1,613,186 alleles (0.0005%); highest among the groups gnomAD compares: Non-Finnish European, 0.00068%; no homozygotes.

Submission:

Centre for Mendelian Genomics, University Medical Centre Ljubljana
Classification: Uncertain significance for Brittle cornea syndrome 2. Last evaluated: 2019-09-16. Review status: criteria provided, single submitter. Criteria: ACMG Guidelines, 2015. Collection method: clinical testing. Allele origin: unknown. Affected: yes.
Comment: This variant was classified as: Uncertain significance. The available evidence on this variant's pathogenicity is insufficient or conflicting. The following ACMG criteria were applied in classifying this variant: PM2,PP3,BP1.